The following is an entry in ClinVar:

ClinVar aggregate classification (germline): Likely benign (1 of 4 stars; one submission).

gnomAD v4.1: 144 of 1,614,118 alleles (0.0089%); highest among the groups gnomAD compares: African/African-American, 0.069%; no homozygotes.

Submission:

CeGaT Center for Human Genetics Tuebingen
Classification: Likely benign. Last evaluated: 2026-03-01. Review status: criteria provided, single submitter. Criteria: CeGaT Center For Human Genetics Tuebingen Variant Classification Criteria Version 2. Collection method: clinical testing. Allele origin: germline. Affected: yes. Observed: 2 variant alleles.
Comment: NAA20: BP4, BP7

NM_016100.5(NAA20):c.213C>T (p.His71=)

Gene: NAA20 (N-alpha-acetyltransferase 20, NatB catalytic subunit; plus strand). Cytogenetic location: 20p11.23.
Variant type: single nucleotide variant.
Coding change: c.213C>T on transcript NM_016100.5 (MANE Select); coding-DNA position 213, C replaced by T.
Protein change: p.His71=; no amino-acid change (histidine 71 retained).
Molecular consequence: synonymous variant.
Genome position (GRCh38, 1-based): chr20:20,026,827, C>T. VCF-style: chr20-20026827-C-T. GRCh37 (hg19) VCF-style: chr20-20007471-C-T.
Other names: c.213C>T, p.His71= (NM_181528.3); c.177C>T, p.His59= (NM_181527.3).
Identifiers: ClinVar variation 3777992 (VCV003777992.7).